The following is an entry in ClinVar:

ClinVar aggregate classification (germline): Conflicting classifications of pathogenicity. Review status: criteria provided, conflicting classifications (1 of 4 stars). 7 submissions from 7 submitters: Uncertain significance (5); Likely benign (2). Last evaluated 2026-02-03.

Conditions:
Inborn genetic diseases. Identifiers: MedGen C0950123, MeSH D030342.
Atrioventricular septal defect 5 (AVSD5). Identifiers: MedGen C3280939, MONDO:0013769, OMIM 614474.
Heart defects, congenital, and other congenital anomalies. Also called: PANCREATIC HYPOPLASIA, CONGENITAL, WITH DIABETES MELLITUS AND CONGENITAL HEART DISEASE; Pancreatic hypoplasia-diabetes-congenital heart disease syndrome. Identifiers: Orphanet 2255, MedGen C2931296, MONDO:0010802, OMIM 600001.

Allele frequency attached by ClinVar (database versions not stated): gnomAD 0.00017 and 0.00016; TOPMed 0.00017; gnomAD exomes 0.00026 and 0.00011; ExAC 0.00008.
gnomAD v4.1: 391 of 1,589,650 alleles (0.025%); highest among the groups gnomAD compares: Middle Eastern, 0.033%; 1 homozygote.

Submissions (7):

Labcorp Genetics (formerly Invitae), Labcorp
Classification: Uncertain significance for Atrioventricular septal defect 5. Last evaluated: 2026-02-03. Review status: criteria provided, single submitter. Criteria: Invitae Variant Classification Sherloc (09022015). Collection method: clinical testing. Allele origin: germline.
Comment: This sequence change replaces proline, which is neutral and non-polar, with serine, which is neutral and polar, at codon 91 of the GATA6 protein (p.Pro91Ser). This variant is present in population databases (rs766886560, gnomAD 0.02%). This missense change has been observed in individual(s) with early onset atrial fibrillation or thoracic aortic aneurysm (PMID: 27756709, 28659821). ClinVar contains an entry for this variant (Variation ID: 404061). An algorithm developed to predict the effect of missense changes on protein structure and function (PolyPhen-2) suggests that this variant is likely to be tolerated. Experimental studies are conflicting or provide insufficient evidence to determine the effect of this variant on GATA6 function (PMID: 27756709). In summary, the available evidence is currently insufficient to determine the role of this variant in disease. Therefore, it has been classified as a Variant of Uncertain Significance.

Revvity Omics, Revvity
Classification: Uncertain significance. Last evaluated: 2024-12-13. Review status: criteria provided, single submitter. Criteria: ACMG Guidelines, 2015. Collection method: clinical testing. Allele origin: germline.

Genomic Medicine Center of Excellence, King Faisal Specialist Hospital and Research Centre
Classification: Uncertain significance for Heart defects, congenital, and other congenital anomalies. Last evaluated: 2024-09-22. Review status: criteria provided, single submitter. Criteria: ACMG Guidelines, 2015. Collection method: clinical testing. Allele origin: germline.

GeneDx
Classification: Uncertain significance. Last evaluated: 2023-06-14. Review status: criteria provided, single submitter. Criteria: GeneDx Variant Classification Process June 2021. Collection method: clinical testing. Allele origin: germline. Affected: yes.
Comment: Identified in a patient with early-onset atrial fibrillation (Tucker et al., 2017); Published in vitro functional studies suggest this variant results in increased expression of GATA6 target genes, NPPA and aMHC (Tucker et al., 2017); however, additional studies are needed to clarify the effect of this variant in vivo; In silico analysis supports that this missense variant does not alter protein structure/function; This variant is associated with the following publications: (PMID: 27756709)

Pittsburgh Clinical Genomics Laboratory, University of Pittsburgh Medical Center
Classification: Uncertain significance for Heart defects, congenital, and other congenital anomalies. Last evaluated: 2023-04-07. Review status: criteria provided, single submitter. Criteria: ACMG Guidelines, 2015. Collection method: clinical testing. Allele origin: germline. Inheritance: Autosomal dominant inheritance. Affected: yes.
Comment: This sequence variant is a single nucleotide substitution (C>T) at coding position 271 of the GATA6 gene that results in a proline to serine amino acid change at residue 91 of the GATA6 protein. This is a previously reported variant (ClinVar) that has been observed in an individual affected by atrial fibrillation (PMID: 27756709). This variant is present in 29 of 236,226 (0.01%) alleles gnomAD population database. Multiple bioinformatic tools provide conflicting predictions concerning the effect of this variant, and the proline residue at this position is moderately conserved across the vertebrate species examined. A transactivation study found that this variant increases the expression of some, but not all, of GATA6's downstream targets (PMID: 27756709). At this time, there is insufficient evidence to determine if this variant is pathogenic or benign. Therefore, we consider this a variant of uncertain significance. ACMG Criteria:

Women's Health and Genetics/Laboratory Corporation of America, LabCorp
Classification: Likely benign. Last evaluated: 2023-02-13. Review status: criteria provided, single submitter. Criteria: LabCorp Variant Classification Summary - May 2015. Collection method: clinical testing. Allele origin: germline.
Comment: Variant summary: GATA6 c.271C>T (p.Pro91Ser) results in a non-conservative amino acid change in the encoded protein sequence. Three of five in-silico tools predict a benign effect of the variant on protein function. The variant allele was found at a frequency of 0.00011 in 204928 control chromosomes. The observed variant frequency is approximately 180 fold of the estimated maximal expected allele frequency for a pathogenic variant in GATA6 causing Pancreatic Agenesis and Congenital Heart Defects phenotype (6.3e-07), strongly suggesting that the variant is benign. c.271C>T has been reported in the literature in an individual with early-onset atrial fibrillation (Tucker_2017) and in a bicuspid aortic valve/thoracic aortic aneurysm patient cohort (Gillis_2017). However, these reports did not provide strong evidence for causality (e.g. co-segregation data) and therefore do not allow conclusions about association of the variant with Pancreatic Agenesis and Congenital Heart Defects. At least one publication reports experimental evidence evaluating an impact on protein function, finding the variant leads to increased transcriptional activity (Tucker_2017), however, these findings do not allow convincing conclusions about the variant effect. Three clinical diagnostic laboratories have submitted clinical-significance assessments for this variant to ClinVar after 2014 and cited the variant as likely benign (n=1) and uncertain significance (n=2). Based on the evidence outlined above, the variant was classified as likely benign.

Ambry Genetics
Classification: Likely benign for Inborn genetic diseases. Last evaluated: 2022-09-08. Review status: criteria provided, single submitter. Criteria: Ambry Variant Classification Scheme 2023. Collection method: clinical testing. Allele origin: germline.

Literature cited by the submitters: PubMed 27756709 (cited by 4 submitters); PubMed 28659821 (cited by Labcorp Genetics (formerly Invitae), Labcorp and Women's Health and Genetics/Laboratory Corporation of America, LabCorp); PubMed 28518168 (cited by Ambry Genetics); PubMed 32461654 (cited by Ambry Genetics).

NM_005257.6(GATA6):c.271C>T (p.Pro91Ser)

Gene: GATA6 (GATA binding protein 6; plus strand). Cytogenetic location: 18q11.2.
Variant type: single nucleotide variant.
Coding change: c.271C>T on transcript NM_005257.6 (MANE Select); coding-DNA position 271, C replaced by T.
Protein change: p.Pro91Ser; replaces proline 91 with serine.
Molecular consequence: missense variant.
Genome position (GRCh38, 1-based): chr18:22,171,415, C>T. VCF-style: chr18-22171415-C-T. GRCh37 (hg19) VCF-style: chr18-19751376-C-T.
Other names: c.271C>T (NM_005257.3); short protein forms P91S.
Identifiers: ClinVar variation 404061 (VCV000404061.17), dbSNP rs766886560, ClinGen allele CA8908857.